The following is an entry in ClinVar:

ClinVar aggregate classification (germline): Conflicting classifications of pathogenicity. Review status: criteria provided, conflicting classifications (1 of 4 stars). 6 submissions from 6 submitters: Uncertain significance (4); Likely benign (2). Last evaluated 2026-06-11.

Conditions:
Cardiovascular phenotype. Identifiers: MedGen CN230736.
TTN-related disorder. Also called: TTN-related condition; TTN-related disease; TTN-related disorders.

Allele frequency attached by ClinVar (database versions not stated): gnomAD exomes 0.00001 and 0.00005; ExAC 0.00007; gnomAD 0.00013 and 0.00016; TOPMed 0.00022; ESP Exome Variant Server 0.00025.
gnomAD v4.1: 43 of 1,609,502 alleles (0.0027%); highest among the groups gnomAD compares: African/African-American, 0.047%; no homozygotes.

Submissions (6):

PreventionGenetics, part of Exact Sciences
Classification: Uncertain significance for TTN-related condition. Last evaluated: 2026-06-11. Review status: criteria provided, single submitter. Criteria: ACMG Guidelines, 2015. Collection method: clinical testing. Allele origin: germline.
Comment: The TTN c.56456A>G variant is predicted to result in the amino acid substitution p.Asn18819Ser. To our knowledge, this variant has not been reported in the literature. This variant is reported in 0.071% of alleles in individuals of African descent in gnomAD. At this time, the clinical significance of this variant is uncertain due to the absence of conclusive functional and genetic evidence.

Revvity Omics, Revvity
Classification: Uncertain significance. Last evaluated: 2023-01-03. Review status: criteria provided, single submitter. Criteria: ACMG Guidelines, 2015. Collection method: clinical testing. Allele origin: germline.

GeneDx
Classification: Likely benign. Last evaluated: 2021-02-25. Review status: criteria provided, single submitter. Criteria: GeneDx Variant Classification Process June 2021. Collection method: clinical testing. Allele origin: germline. Affected: yes.

Blueprint Genetics
Classification: Likely benign. Last evaluated: 2020-08-24. Review status: criteria provided, single submitter. Criteria: ACMG Guidelines, 2015. Collection method: clinical testing. Allele origin: germline.

Ambry Genetics
Classification: Uncertain significance for Cardiovascular phenotype. Last evaluated: 2020-01-24. Review status: criteria provided, single submitter. Criteria: Ambry Variant Classification Scheme 2023. Collection method: clinical testing. Allele origin: germline.
Comment: The p.N9754S variant (also known as c.29261A>G), located in coding exon 117 of the TTN gene, results from an A to G substitution at nucleotide position 29261. The asparagine at codon 9754 is replaced by serine, an amino acid with highly similar properties. This amino acid position is highly conserved in available vertebrate species. In addition, this alteration is predicted to be tolerated by in silico analysis. Since supporting evidence is limited at this time, the clinical significance of this alteration remains unclear.

Eurofins Ntd Llc (ga)
Classification: Uncertain significance. Last evaluated: 2018-08-02. Review status: criteria provided, single submitter. Criteria: EGL ClinVar v180209 classification definitions. Collection method: clinical testing. Allele origin: germline. Observed: 1 variant allele, 1 heterozygote.

NM_001267550.2(TTN):c.56456A>G (p.Asn18819Ser)

Genes: TTN (titin; minus strand), TTN-AS1 (TTN antisense RNA 1; plus strand). Cytogenetic location: 2q31.2.
Variant type: single nucleotide variant.
Coding change: c.56456A>G on transcript NM_001267550.2 (MANE Select); coding-DNA position 56456, A replaced by G.
Protein change: p.Asn18819Ser; replaces asparagine 18819 with serine.
Molecular consequence: missense variant.
Genome position (GRCh38, 1-based): chr2:178,599,337, T>C on the plus strand (A>G on the coding strand, the complement: TTN is on the minus strand). VCF-style: chr2-178599337-T-C. GRCh37 (hg19) VCF-style: chr2-179464064-T-C.
Other names: c.51533A>G, p.Asn17178Ser (NM_001256850.1); c.29261A>G, p.Asn9754Ser (NM_003319.4); c.48752A>G, p.Asn16251Ser (NM_133378.4); c.29636A>G, p.Asn9879Ser (NM_133432.3); c.29837A>G, p.Asn9946Ser (NM_133437.4); short protein forms N16251S, N18819S, N9754S, N9946S, N17178S, N9879S.
Identifiers: ClinVar variation 598227 (VCV000598227.15), dbSNP rs201337786, ClinGen allele CA1993244.
Genomic context (GRCh38, chr2:178,599,337, plus strand): 5'-GGTTCACTGGAGACATGGACCCATGTCTTCCTGTTAGCTTCTCTTTTCTCAATTACATAG[T>C]TTGTAATCTTAGACCCACCATCATCTTTAGGTGGAAACCAAGATAGTGTCATTTGATCTG-3'
Protein context (NP_001254479.2, residues 18809-18829): PKDDGGSKIT[Asn18819Ser]YVIEKREANR